The following is an entry in ClinVar:

ClinVar aggregate classification (germline): Uncertain significance. Review status: criteria provided, multiple submitters, no conflicts (2 of 4 stars). 3 submissions from 2 submitters: Uncertain significance (3). Last evaluated 2025-04-01.

Conditions:
Distal arthrogryposis type 2B1 (DA2B1). Also called: Arthrogryposis multiplex congenita distal type II with craniofacial abnormalities. Identifiers: Orphanet 1147, MedGen C5193014, MONDO:0020820, OMIM 601680.
Freeman-Sheldon syndrome (DA2A). Also called: CRANIOCARPOTARSAL DYSPLASIA; CRANIOCARPOTARSAL DYSTROPHY; WHISTLING FACE-WINDMILL VANE HAND SYNDROME; Arthrogryposis, distal, type 2A (Freeman-Sheldon). Identifiers: Orphanet 2053, MedGen C0265224, MONDO:0008675, OMIM 193700.

Allele frequency attached by ClinVar (database versions not stated): gnomAD exomes 0.00001; gnomAD 0.00003; TOPMed 0.00004.
gnomAD v4.1: 24 of 1,614,056 alleles (0.0015%); highest among the groups gnomAD compares: Non-Finnish European, 0.0019%; no homozygotes.

Submissions (3):

Labcorp Genetics (formerly Invitae), Labcorp
Classification: Uncertain significance. Last evaluated: 2025-04-01. Review status: criteria provided, single submitter. Criteria: Invitae Variant Classification Sherloc (09022015). Collection method: clinical testing. Allele origin: germline.
Comment: This sequence change replaces lysine, which is basic and polar, with glutamic acid, which is acidic and polar, at codon 1295 of the MYH3 protein (p.Lys1295Glu). This variant is not present in population databases (gnomAD no frequency). This variant has not been reported in the literature in individuals affected with MYH3-related conditions. ClinVar contains an entry for this variant (Variation ID: 321730). Invitae Evidence Modeling of protein sequence and biophysical properties (such as structural, functional, and spatial information, amino acid conservation, physicochemical variation, residue mobility, and thermodynamic stability) indicates that this missense variant is not expected to disrupt MYH3 protein function with a negative predictive value of 95%. In summary, the available evidence is currently insufficient to determine the role of this variant in disease. Therefore, it has been classified as a Variant of Uncertain Significance.

Illumina Laboratory Services, Illumina
Classification: Uncertain significance for Freeman-Sheldon syndrome. Last evaluated: 2018-01-12. Review status: criteria provided, single submitter. Criteria: ICSL Variant Classification Criteria 13 December 2019. Collection method: clinical testing. Allele origin: germline.

Illumina Laboratory Services, Illumina
Classification: Uncertain significance for Distal arthrogryposis type 2B1. Last evaluated: 2018-01-12. Review status: criteria provided, single submitter. Criteria: ICSL Variant Classification Criteria 13 December 2019. Collection method: clinical testing. Allele origin: germline.

NM_002470.4(MYH3):c.3883A>G (p.Lys1295Glu)

Gene: MYH3 (myosin heavy chain 3; minus strand). Cytogenetic location: 17p13.1.
Variant type: single nucleotide variant.
Coding change: c.3883A>G on transcript NM_002470.4 (MANE Select); coding-DNA position 3883, A replaced by G.
Protein change: p.Lys1295Glu; replaces lysine 1295 with glutamic acid.
Molecular consequence: missense variant.
Genome position (GRCh38, 1-based): chr17:10,635,827, T>C on the plus strand (A>G on the coding strand, the complement: MYH3 is on the minus strand). VCF-style: chr17-10635827-T-C. GRCh37 (hg19) VCF-style: chr17-10539144-T-C.
Other names: short protein forms K1295E.
Identifiers: ClinVar variation 321730 (VCV000321730.8), dbSNP rs886052580, ClinGen allele CA10638894.